The following is an entry in ClinVar:

NM_001282933.2(ZNF341):c.2197C>A (p.Leu733Ile)

Genes: ZNF341 (zinc finger protein 341; plus strand), ZNF341-AS1 (ZNF341 antisense RNA 1; minus strand). Cytogenetic location: 20q11.22.
Variant type: single nucleotide variant.
Coding change: c.2197C>A on transcript NM_001282933.2 (MANE Select); coding-DNA position 2197, C replaced by A.
Protein change: p.Leu733Ile; replaces leucine 733 with isoleucine.
Molecular consequence: missense variant. On other transcripts: non-coding transcript variant (1).
Genome position (GRCh38, 1-based): chr20:33,791,149, C>A. VCF-style: chr20-33791149-C-A. GRCh37 (hg19) VCF-style: chr20-32378955-C-A.
Other names: c.1927C>A, p.Leu643Ile (NM_001282935.2); c.2176C>A, p.Leu726Ile (NM_032819.5); short protein forms L643I, L726I, L733I.
Identifiers: ClinVar variation 2297143 (VCV002297143.4), dbSNP rs765747537, ClinGen allele CA9819735.
Genomic context (GRCh38, chr20:33,791,149, plus strand): 5'-TGTGCTGGCTGCGCCAAGGGCTTTTCCCGCCACAAATACCTCAAAGATCACCGCTGTCGT[C>A]TCGGCCCCCAAAAGGACAAGGACCTGCAAACCCGGCGGCCCCCCCAGAGGAGGGCAGCCC-3'
Protein context (NP_001269862.1, residues 723-743): HKYLKDHRCR[Leu733Ile]GPQKDKDLQT

ClinVar aggregate classification (germline): Uncertain significance. Review status: criteria provided, multiple submitters, no conflicts (2 of 4 stars). 3 submissions from 3 submitters: Uncertain significance (3). Last evaluated 2024-09-04.

Allele frequency attached by ClinVar (database versions not stated): ExAC 0.00001.
gnomAD v4.1: 37 of 1,613,168 alleles (0.0023%); highest among the groups gnomAD compares: Non-Finnish European, 0.0031%; no homozygotes.

Submissions (3):

Labcorp Genetics (formerly Invitae), Labcorp
Classification: Uncertain significance. Last evaluated: 2024-09-04. Review status: criteria provided, single submitter. Criteria: Invitae Variant Classification Sherloc (09022015). Collection method: clinical testing. Allele origin: germline.
Comment: This sequence change replaces leucine, which is neutral and non-polar, with isoleucine, which is neutral and non-polar, at codon 726 of the ZNF341 protein (p.Leu726Ile). This variant is present in population databases (rs765747537, gnomAD 0.004%). This variant has not been reported in the literature in individuals affected with ZNF341-related conditions. ClinVar contains an entry for this variant (Variation ID: 2297143). An algorithm developed to predict the effect of missense changes on protein structure and function (PolyPhen-2) suggests that this variant¬†is likely to be tolerated. In summary, the available evidence is currently insufficient to determine the role of this variant in disease. Therefore, it has been classified as a Variant of Uncertain Significance.

Blueprint Genetics
Classification: Uncertain significance. Last evaluated: 2022-11-14. Review status: criteria provided, single submitter. Criteria: ACMG Guidelines, 2015. Collection method: clinical testing. Allele origin: germline.

Ambry Genetics
Classification: Uncertain significance. Last evaluated: 2022-06-24. Review status: criteria provided, single submitter. Criteria: Ambry Variant Classification Scheme 2023. Collection method: clinical testing. Allele origin: germline.